The following is an entry in ClinVar:

NM_002474.3(MYH11):c.*61_*65del

Genes: MYH11 (myosin heavy chain 11; minus strand), NDE1 (nudE neurodevelopment protein 1; plus strand). Cytogenetic location: 16p13.11.
Variant type: Deletion.
Coding change: c.*61_*65del on transcript NM_002474.3 (MANE Select); 61 bases downstream of the stop codon through 65 bases downstream of the stop codon, 5 bases deleted (AAAAA; older notation c.*61_*65delAAAAA).
Molecular consequence: 3 prime UTR variant. On other transcripts: intron variant (2).
Genome position (GRCh38, 1-based): chr16:15,703,926-15,703,930, TTTTT deleted on the plus strand (AAAAA on the coding strand, the reverse complement: MYH11 is on the minus strand); deleting any 5 consecutive bases within chr16:15,703,926-15,703,933 gives the same sequence; the c. name uses the placement nearest the transcript's 3' end. VCF-style (leftmost placement, unchanged base first): chr16-15703925-GTTTTT-G. GRCh37 (hg19) VCF-style: chr16-15797782-GTTTTT-G.
Other names: c.*202_*206del (NM_001040113.2, NM_022844.3); c.*61_*65del (NM_001040114.2); c.947+7069_947+7073del (NM_001143979.2, NM_017668.3).
Identifiers: ClinVar variation 318085 (VCV000318085.37), dbSNP rs5815842, ClinGen allele CA7921014.

ClinVar aggregate classification (germline): Benign/Likely benign. Review status: criteria provided, multiple submitters, no conflicts (2 of 4 stars). 2 submissions from 2 submitters: Benign (1); Likely benign (1). Last evaluated 2023-06-01.

Submissions (2):

CeGaT Center for Human Genetics Tuebingen
Classification: Benign. Last evaluated: 2023-06-01. Review status: criteria provided, single submitter. Criteria: CeGaT Center For Human Genetics Tuebingen Variant Classification Criteria Version 2. Collection method: clinical testing. Allele origin: germline. Affected: yes. Observed: 7 variant alleles.
Comment: MYH11: BS1, BS2; NDE1: BS1, BS2

GeneDx
Classification: Likely benign. Last evaluated: 2019-08-19. Review status: criteria provided, single submitter. Criteria: GeneDx Variant Classification Process June 2021. Collection method: clinical testing. Allele origin: germline. Affected: yes.